The following is an entry in ClinVar:

ClinVar aggregate classification (germline): Conflicting classifications of pathogenicity. Review status: criteria provided, conflicting classifications (1 of 4 stars). 5 submissions from 5 submitters: Uncertain significance (3); Likely benign (2). Last evaluated 2025-12-01.

Conditions:
Heterotopia, periventricular, X-linked dominant (PVNH1). Also called: X-linked periventricular heterotopia; PERIVENTRICULAR NODULAR HETEROTOPIA 1; PERIVENTRICULAR NODULAR HETEROTOPIA 4; HETEROTOPIA, PERIVENTRICULAR, 1. Identifiers: Orphanet 2149, Orphanet 82004, MedGen C1848213, MONDO:0010233, OMIM 300049.
Melnick-Needles syndrome (MNS). Also called: Melnick-Needles Syndrome (FLNA-MNS); MELNICK-NEEDLES OSTEODYSPLASTY; OSTEODYSPLASTY OF MELNICK AND NEEDLES. Identifiers: Orphanet 2484, MedGen C0025237, MONDO:0010650, OMIM 309350.
Frontometaphyseal dysplasia (FMD1). Identifiers: Orphanet 1826, MedGen C0265293, MONDO:0015942.
Oto-palato-digital syndrome, type II (OPD2). Also called: Otopalatodigital Syndrome, Type II; Otopalatodigital Syndrome Type 2 (FLNA-OPD2); FACIOPALATOOSSEOUS SYNDROME; OPD II SYNDROME. Identifiers: Orphanet 669, Orphanet 90652, MedGen C1844696, MONDO:0010571, OMIM 304120.

Allele frequency attached by ClinVar (database versions not stated): ExAC 0.00002; gnomAD exomes 0.00002 and 0.00003; TOPMed 0.00002; gnomAD 0.00003; 1000 Genomes Project 0.00026; 1000 Genomes Project 30x 0.00042.
gnomAD v4.1: 30 of 1,210,260 alleles (0.0025%); highest among the groups gnomAD compares: Admixed American, 0.0065%; no homozygotes.

Submissions (5):

CeGaT Center for Human Genetics Tuebingen
Classification: Likely benign. Last evaluated: 2025-12-01. Review status: criteria provided, single submitter. Criteria: CeGaT Center For Human Genetics Tuebingen Variant Classification Criteria Version 2. Collection method: clinical testing. Allele origin: germline. Affected: yes. Observed: 1 variant allele.
Comment: FLNA: BS2

Labcorp Genetics (formerly Invitae), Labcorp
Classification: Likely benign for Oto-palato-digital syndrome, type II; Heterotopia, periventricular, X-linked dominant; Frontometaphyseal dysplasia; Melnick-Needles syndrome. Last evaluated: 2025-11-27. Review status: criteria provided, single submitter. Criteria: Invitae Variant Classification Sherloc (09022015). Collection method: clinical testing. Allele origin: germline.

Mayo Clinic Laboratories, Mayo Clinic
Classification: Uncertain significance. Last evaluated: 2025-10-02. Review status: criteria provided, single submitter. Criteria: ACMG Guidelines, 2015. Collection method: clinical testing. Allele origin: germline. Observed: 1 variant allele.
Comment: BS2, PP3_moderate

GeneDx
Classification: Uncertain significance. Last evaluated: 2023-12-15. Review status: criteria provided, single submitter. Criteria: GeneDx Variant Classification Process June 2021. Collection method: clinical testing. Allele origin: germline. Affected: yes.
Comment: In silico analysis supports that this missense variant has a deleterious effect on protein structure/function; This variant is associated with the following publications: (PMID: 28983057)

Women's Health and Genetics/Laboratory Corporation of America, LabCorp
Classification: Uncertain significance. Last evaluated: 2023-10-19. Review status: criteria provided, single submitter. Criteria: LabCorp Variant Classification Summary - May 2015. Collection method: clinical testing. Allele origin: germline.
Comment: Variant summary: FLNA c.3695C>T (p.Thr1232Ile) results in a non-conservative amino acid change in the encoded protein sequence. Three of five in-silico tools predict a damaging effect of the variant on protein function. The variant allele was found at a frequency of 2.8e-05 in 180070 control chromosomes (gnomAD). The available data on variant occurrences in the general population are insufficient to allow any conclusion about variant significance. This report does not provide unequivocal conclusions about association of the variant with Periventricular Nodular Heterotopia or other FLNA-associated disorders. To our knowledge, no experimental evidence demonstrating an impact on protein function has been reported. The following publication has been ascertained in the context of this evaluation (PMID: 28983057). Two submitters have cited clinical-significance assessments for this variant to ClinVar after 2014. One submitter classified the variant as likely benign, and one submitter classified the variant as uncertain significance. Based on the evidence outlined above, the variant was classified as uncertain significance.

Literature cited by the submitters: PubMed 28983057 (cited by Mayo Clinic Laboratories, Mayo Clinic and Women's Health and Genetics/Laboratory Corporation of America, LabCorp).

NM_001110556.2(FLNA):c.3695C>T (p.Thr1232Ile)

Gene: FLNA (filamin A; minus strand). Cytogenetic location: Xq28.
Variant type: single nucleotide variant.
Coding change: c.3695C>T on transcript NM_001110556.2 (MANE Select); coding-DNA position 3695, C replaced by T.
Protein change: p.Thr1232Ile; replaces threonine 1232 with isoleucine.
Molecular consequence: missense variant.
Genome position (GRCh38, 1-based): chrX:154,360,100, G>A on the plus strand (C>T on the coding strand, the complement: FLNA is on the minus strand). VCF-style: chrX-154360100-G-A. GRCh37 (hg19) VCF-style: chrX-153588468-G-A.
Other names: p.Thr1232Ile; c.3695C>T, p.Thr1232Ile (NM_001456.4); short protein forms T1232I.
Identifiers: ClinVar variation 698162 (VCV000698162.19), dbSNP rs782495669, ClinGen allele CA10560671.